The following is an entry in ClinVar:

NM_000135.4(FANCA):c.80-5C>G

Gene: FANCA (FA complementation group A; minus strand). Cytogenetic location: 16q24.3.
Variant type: single nucleotide variant.
Coding change: c.80-5C>G on transcript NM_000135.4 (MANE Select); 5 bases into the intron before coding-DNA position 80, C replaced by G.
Molecular consequence: intron variant.
Genome position (GRCh38, 1-based): chr16:89,815,991, G>C on the plus strand (C>G on the coding strand, the complement: FANCA is on the minus strand). VCF-style: chr16-89815991-G-C. GRCh37 (hg19) VCF-style: chr16-89882399-G-C.
Other names: c.80-5C>G (NM_001286167.3, NM_001351830.2, NM_001018112.3).
Identifiers: ClinVar variation 1897719 (VCV001897719.3), dbSNP rs777687671, ClinGen allele CA725736322.

ClinVar aggregate classification (germline): Uncertain significance. Review status: criteria provided, multiple submitters, no conflicts (2 of 4 stars). 2 submissions from 2 submitters: Uncertain significance (2). Last evaluated 2024-04-22.

Conditions:
Fanconi anemia (FA). Also called: Fanconi's anemia. Identifiers: Orphanet 84, MedGen C0015625, MeSH D005199, MONDO:0019391.
Fanconi anemia complementation group A (FANCA). Also called: FANCA-Related Fanconi Anemia; Fanconi anemia, group A. Identifiers: Orphanet 84, MedGen C3469521, MONDO:0009215, OMIM 227650.

gnomAD v4.1: 4 of 1,608,262 alleles (0.00025%); highest among the groups gnomAD compares: Middle Eastern, 0.017%; no homozygotes.

Submissions (2):

Fulgent Genetics
Classification: Uncertain significance for Fanconi anemia complementation group A. Last evaluated: 2024-04-22. Review status: criteria provided, single submitter. Criteria: ACMG Guidelines, 2015. Collection method: clinical testing. Allele origin: germline.

Labcorp Genetics (formerly Invitae), Labcorp
Classification: Uncertain significance for Fanconi anemia. Last evaluated: 2021-12-26. Review status: criteria provided, single submitter. Criteria: Invitae Variant Classification Sherloc (09022015). Collection method: clinical testing. Allele origin: germline.
Comment: This sequence change falls in intron 1 of the FANCA gene. It does not directly change the encoded amino acid sequence of the FANCA protein. This variant is not present in population databases (gnomAD no frequency). This variant has not been reported in the literature in individuals affected with FANCA-related conditions. Algorithms developed to predict the effect of sequence changes on RNA splicing suggest that this variant may disrupt the consensus splice site. In summary, the available evidence is currently insufficient to determine the role of this variant in disease. Therefore, it has been classified as a Variant of Uncertain Significance.